The following is an entry in ClinVar:

NM_001374736.1(DST):c.13707_13708insTAATATAAATAGAATAAAATAT (p.Thr4570Ter)

Gene: DST (dystonin; minus strand). Cytogenetic location: 6p12.1.
Variant type: Microsatellite.
Coding change: c.13707_13708insTAATATAAATAGAATAAAATAT on transcript NM_001374736.1 (MANE Select); coding-DNA positions 13707 to 13708, TAATATAAATAGAATAAAATAT inserted.
Protein change: p.Thr4570Ter; replaces threonine 4570 with a stop codon.
Molecular consequence: nonsense.
Genome position: GRCh38 VCF-style: chr6-56572113-T-TATATTTTATTCTATTTATATTA. GRCh37 (hg19) VCF-style: chr6-56436911-T-TATATTTTATTCTATTTATATTA.
Other names: c.7350_7351insTAATATAAATAGAATAAAATAT, p.Thr2451Ter (NM_001144769.5); c.6936_6937insTAATATAAATAGAATAAAATAT, p.Thr2313Ter (NM_001144770.2); c.13707_13708insTAATATAAATAGAATAAAATAT, p.Thr4570Ter (NM_001374722.1); c.13074_13075insTAATATAAATAGAATAAAATAT, p.Thr4359Ter (NM_001374729.1); c.6816_6817insTAATATAAATAGAATAAAATAT, p.Thr2273Ter (NM_001374730.1, NM_001386100.1, NM_183380.4); c.13734_13735insTAATATAAATAGAATAAAATAT, p.Thr4579Ter (NM_001374734.1); c.5838_5839insTAATATAAATAGAATAAAATAT, p.Thr1947Ter (NM_015548.5); short protein forms T4359*, T4579*, T2273*, T1947*, T4570*, T2313*, T2451*.
Identifiers: ClinVar variation 1452005 (VCV001452005.7), dbSNP rs2152610983.

ClinVar aggregate classification (germline): Pathogenic (1 of 4 stars; one submission).

Conditions:
Epidermolysis bullosa simplex 3, localized or generalized intermediate, with BP230 deficiency (EBS3). Also called: Epidermolysis bullosa simplex, autosomal recessive 2; Epidermolysis bullosa simplex due to BP230 deficiency. Identifiers: Orphanet 412181, MedGen C3809470, MONDO:0014180, OMIM 615425.
Hereditary sensory and autonomic neuropathy type 6. Also called: Neuropathy, hereditary sensory and autonomic, type VI; HSAN VI. Identifiers: Orphanet 314381, MedGen C3539003, MONDO:0013839, OMIM 614653.

Submission:

Labcorp Genetics (formerly Invitae), Labcorp
Classification: Pathogenic for Epidermolysis bullosa simplex 3, localized or generalized intermediate, with BP230 deficiency; Hereditary sensory and autonomic neuropathy type 6. Last evaluated: 2021-06-05. Review status: criteria provided, single submitter. Criteria: Invitae Variant Classification Sherloc (09022015). Collection method: clinical testing. Allele origin: germline.
Comment: For these reasons, this variant has been classified as Pathogenic. This variant has not been reported in the literature in individuals with DST-related conditions. This variant is not present in population databases (ExAC no frequency). This sequence change creates a premature translational stop signal (p.Thr1947*) in the DST gene. The DST gene has multiple clinically relevant transcripts. This variant occurs in alternate transcript NM_015548.4, and corresponds to NM_001723.5:c.*43404_*43407ins26 in the primary transcript. It is expected to result in an absent or disrupted protein product. Loss-of-function variants in DST are known to be pathogenic (PMID: 22522446, 25059916, 30371979).

Literature cited by the submitters: PubMed 22522446; PubMed 25059916; PubMed 30371979.